The following is an entry in ClinVar:

NM_000516.7(GNAS):c.888_890del (p.Leu297del)

Gene: GNAS (GNAS complex locus; plus strand). Cytogenetic location: 20q13.32.
Variant type: Deletion.
Coding change: c.888_890del on transcript NM_000516.7 (MANE Select); coding-DNA positions 888 to 890, 3 bases deleted (GCT; older notation c.888_890delGCT).
Protein change: p.Leu297del; deletes leucine 297.
Molecular consequence: inframe deletion. On other transcripts: 3 prime UTR variant (2).
Genome position (GRCh38, 1-based): chr20:58,909,999-58,910,001, GCT deleted; deleting any 3 consecutive bases within chr20:58,909,997-58,910,001 gives the same sequence; the c. name uses the placement nearest the transcript's 3' end. VCF-style (leftmost placement, unchanged base first): chr20-58909996-TCTG-T. GRCh37 (hg19) VCF-style: chr20-57485051-TCTG-T.
Other names: c.891_893del, p.Leu298del (NM_001077488.5); c.843_845del, p.Leu282del (NM_001077489.4); c.*749_*751del (NM_001077490.3); c.711_713del, p.Leu238del (NM_001309840.2, NM_001309861.2); c.792_794del, p.Leu265del (NM_001410912.1); c.2772_2774del, p.Leu925del (NM_001410913.1); c.*794_*796del (NM_016592.5); c.2817_2819del, p.Leu940del (NM_080425.4); and 1 more; short protein forms L283del, L297del, L238del, L265del, L282del, L925del, L940del, L298del.
Identifiers: ClinVar variation 2747428 (VCV002747428.3), dbSNP rs2517269804, ClinGen allele CA2697547438.
Genomic context (GRCh38, chr20:58,909,996, plus strand): 5'-CCTCCCTTCTTGTAGATGGCTGCGCACCATCTCTGTGATCCTGTTCCTCAACAAGCAAGA[TCTG>T]CTCGCTGAGAAAGTCCTTGCTGGGAAATCGAAGATTGAGGACTACTTTCCAGAATTTGCT-3'

ClinVar aggregate classification (germline): Uncertain significance (1 of 4 stars; one submission).

Submission:

Labcorp Genetics (formerly Invitae), Labcorp
Classification: Uncertain significance. Last evaluated: 2023-07-27. Review status: criteria provided, single submitter. Criteria: Invitae Variant Classification Sherloc (09022015). Collection method: clinical testing. Allele origin: germline.
Comment: In summary, the available evidence is currently insufficient to determine the role of this variant in disease. Therefore, it has been classified as a Variant of Uncertain Significance. This variant is not present in population databases (gnomAD no frequency). This variant has not been reported in the literature in individuals affected with GNAS-related conditions. Experimental studies and prediction algorithms are not available or were not evaluated, and the functional significance of this variant is currently unknown. This variant, c.888_890del, results in the deletion of 1 amino acid(s) of the GNAS protein (p.Leu297del), but otherwise preserves the integrity of the reading frame.